The following is an entry in ClinVar:

ClinVar aggregate classification (germline): Benign (1 of 4 stars; one submission).

Conditions:
Intellectual developmental disorder, X-linked 97. Also called: Intellectual disability, X-linked 97. Identifiers: Orphanet 777, MedGen C2749020, MONDO:0010430, OMIM 300803.

Allele frequency attached by ClinVar (database versions not stated): TOPMed below 0.00001; ExAC 0.00006; gnomAD 0.00001; gnomAD exomes 0.00002 and 0.00005.
gnomAD v4.1: 21 of 1,053,576 alleles (0.002%); highest among the groups gnomAD compares: Non-Finnish European, 0.00053%; no homozygotes.

Submission:

Illumina Laboratory Services, Illumina
Classification: Benign for Intellectual developmental disorder, X-linked 97. Last evaluated: 2018-01-13. Review status: criteria provided, single submitter. Criteria: ICSL Variant Classification Criteria 13 December 2019. Collection method: clinical testing. Allele origin: germline.
Comment: This variant was observed in the ICSL laboratory as part of a predisposition screen in an ostensibly healthy population. It had not been previously curated by ICSL or reported in the Human Gene Mutation Database (HGMD: prior to June 1st, 2018), and was therefore a candidate for classification through an automated scoring system. Utilizing variant allele frequency, disease prevalence and penetrance estimates, and inheritance mode, an automated score was calculated to assess if this variant is too frequent to cause the disease. Based on the score and internal cut-off values, a variant classified as benign is not then subjected to further curation. The score for this variant resulted in a classification of benign for this disease.

NM_001330574.2(ZNF711):c.*47A>G

Gene: ZNF711 (ZFX family zinc finger ZNF711; plus strand). Cytogenetic location: Xq21.1.
Variant type: single nucleotide variant.
Coding change: c.*47A>G on transcript NM_001330574.2 (MANE Select); 47 bases downstream of the stop codon, A replaced by G.
Molecular consequence: 3 prime UTR variant.
Genome position (GRCh38, 1-based): chrX:85,271,875, A>G. VCF-style: chrX-85271875-A-G. GRCh37 (hg19) VCF-style: chrX-84526881-A-G.
Other names: c.*47A>G (NM_021998.5).
Identifiers: ClinVar variation 368748 (VCV000368748.5), dbSNP rs755503652, ClinGen allele CA10464848.